The following is an entry in ClinVar:

NM_000138.5(FBN1):c.164+96C>T

Gene: FBN1 (fibrillin 1; minus strand). Cytogenetic location: 15q21.1.
Variant type: single nucleotide variant.
Coding change: c.164+96C>T on transcript NM_000138.5 (MANE Select); 96 bases into the intron after coding-DNA position 164, C replaced by T.
Molecular consequence: intron variant.
Genome position (GRCh38, 1-based): chr15:48,644,510, G>A on the plus strand (C>T on the coding strand, the complement: FBN1 is on the minus strand). VCF-style: chr15-48644510-G-A. GRCh37 (hg19) VCF-style: chr15-48936707-G-A.
Other names: c.164+96C>T (NM_001406716.1, NM_001406717.1, NM_001406718.1).
Identifiers: ClinVar variation 3769624 (VCV003769624.1).
Genomic context (GRCh38, chr15:48,644,510, plus strand): 5'-CCACGAACGGGGTGGGGACTAAACAACCCTAGCACCTCTAAGGTGCCCCCAGGAGGTCTT[G>A]CCAAGGAGTCTTCCACAGGGAGAGTCATCCTGCCCGTTGTTCTGGATCTTGAAACTTGGG-3'

ClinVar aggregate classification (germline): Pathogenic (1 of 4 stars; one submission).

Conditions:
Marfan syndrome (MFS). Also called: MARFAN SYNDROME, TYPE I; Marfan syndrome type 1; Marfan's syndrome; Marfan syndrome, classic; FBN1-Related Marfan Syndrome. Identifiers: Orphanet 284963, Orphanet 558, MedGen C0024796, MONDO:0007947, OMIM 154700.

Submission:

Clinical and Biomedical Sciences, University of Exeter
Classification: Pathogenic for Marfan syndrome. Last evaluated: 2025-02-28. Review status: criteria provided, single submitter. Criteria: ACMG Guidelines, 2015. Collection method: research. Allele origin: germline. Affected: yes. Study: 100,000 Genomes Project.
Comment: Minigene assay confirms the variant creates a new donor splice site which extends exon 2 by 94bp and introduces a stop codon shortly into the extended sequence r.164_165ins94, p.(Pro56Ter).